The following is an entry in ClinVar:

ClinVar aggregate classification (germline): Benign/Likely benign. Review status: criteria provided, multiple submitters, no conflicts (2 of 4 stars). 2 submissions from 2 submitters: Benign (1); Likely benign (1). Last evaluated 2025-04-23.

Conditions:
Lynch syndrome 5 (LYNCH5). Also called: Colorectal cancer, hereditary nonpolyposis, type 5; Hereditary non-polyposis colorectal cancer, type 5. Identifiers: Orphanet 144, MedGen C1833477, MONDO:0013710, OMIM 614350. Disease mechanism: loss of function.
Hereditary nonpolyposis colorectal neoplasms. Identifiers: MedGen C0009405, MeSH D003123.

Allele frequency attached by ClinVar (database versions not stated): gnomAD 0.00001; 1000 Genomes Project 30x 0.00016.

Submissions (2):

Labcorp Genetics (formerly Invitae), Labcorp
Classification: Likely benign for Hereditary nonpolyposis colorectal neoplasms. Last evaluated: 2025-04-23. Review status: criteria provided, single submitter. Criteria: Invitae Variant Classification Sherloc (09022015). Collection method: clinical testing. Allele origin: germline.

Myriad Genetics, Inc.
Classification: Benign for Lynch syndrome 5. Last evaluated: 2025-01-03. Review status: criteria provided, single submitter. Criteria: Myriad Autosomal Dominant, Autosomal Recessive and X-Linked Classification Criteria (2023). Collection method: clinical testing. Allele origin: unknown.
Comment: This variant is considered benign. This variant is a silent/synonymous amino acid change and it is not expected to impact splicing.

NM_000179.3(MSH6):c.3114T>C (p.Tyr1038=)

Gene: MSH6 (mutS homolog 6; plus strand). Cytogenetic location: 2p16.3.
Variant type: single nucleotide variant.
Coding change: c.3114T>C on transcript NM_000179.3 (MANE Select); coding-DNA position 3114, T replaced by C.
Protein change: p.Tyr1038=; no amino-acid change (tyrosine 1038 retained).
Molecular consequence: synonymous variant.
Genome position (GRCh38, 1-based): chr2:47,801,097, T>C. VCF-style: chr2-47801097-T-C. GRCh37 (hg19) VCF-style: chr2-48028236-T-C.
Other names: c.2724T>C, p.Tyr908= (NM_001281492.2); c.2208T>C, p.Tyr736= (NM_001281493.2, NM_001281494.2).
Identifiers: ClinVar variation 1631932 (VCV001631932.9), dbSNP rs2104440982, ClinGen allele CA426121990.